The following is an entry in ClinVar:

NM_206933.4(USH2A):c.6859_6860dup (p.Glu2288fs)

Gene: USH2A (usherin; minus strand). Cytogenetic location: 1q41.
Variant type: Duplication.
Coding change: c.6859_6860dup on transcript NM_206933.4 (MANE Select); coding-DNA positions 6859 to 6860, 2 bases duplicated (TC; older notation c.6859_6860dupTC).
Protein change: p.Glu2288fs; shifts the reading frame from glutamic acid 2288.
Molecular consequence: frameshift variant.
Genome position (GRCh38, 1-based): chr1:215,970,722-215,970,723, GA duplicated on the plus strand (TC on the coding strand, the reverse complement: USH2A is on the minus strand); duplicating any 2 consecutive bases within chr1:215,970,722-215,970,724 gives the same sequence; the c. name uses the placement nearest the transcript's 3' end. VCF-style (leftmost placement, unchanged base first): chr1-215970721-T-TGA. GRCh37 (hg19) VCF-style: chr1-216144063-T-TGA.
Other names: c.6859_6860dup (NM_206933.2); short protein forms E2288fs.
Identifiers: ClinVar variation 2128363 (VCV002128363.5), dbSNP rs1209497158, ClinGen allele CA731388475.
Genomic context (GRCh38, chr1:215,970,721, plus strand): 5'-TTGGACTCTGAAGGAATGTAAACTCCAAGGAGCAAATCCGTAAGCACGATAGCTGAGTTC[T>TGA]GAGGAATTGTGGATTAATATACCATCTAGATATAATCCATAACTCGTGATAACACCTGGG-3'

ClinVar aggregate classification (germline): Pathogenic/Likely pathogenic. Review status: criteria provided, multiple submitters, no conflicts (2 of 4 stars). 2 submissions from 2 submitters: Pathogenic (1); Likely pathogenic (1). Last evaluated 2025-07-18.

Conditions:
Usher syndrome type 2A. Also called: USHER SYNDROME, TYPE IIA; RETINAL DISEASE IN USHER SYNDROME TYPE IIA, MODIFIER OF. Identifiers: Orphanet 231178, Orphanet 886, MedGen C1848634, MONDO:0010169, OMIM 276901.

Submissions (2):

Natera, Inc.
Classification: Likely pathogenic for Usher syndrome type 2A. Last evaluated: 2025-07-18. Review status: criteria provided, single submitter. Criteria: Natera Variant Classification Schema (03/2026). Collection method: clinical testing. Allele origin: germline.
Comment: The c.6859_6860dup variant in USH2A is a frameshift variant predicted to shift the reading frame beginning at codon 2288 and leads to a stop codon 39 codons downstream. This variant is expected to result in nonsense mediated decay, truncation, or a dysfunctional protein product. This variant is rare in the general population with a frequency below the threshold expected for the associated phenotype(s). Given the available evidence, this variant is classified as Likely Pathogenic.

Labcorp Genetics (formerly Invitae), Labcorp
Classification: Pathogenic. Last evaluated: 2025-01-15. Review status: criteria provided, single submitter. Criteria: Invitae Variant Classification Sherloc (09022015). Collection method: clinical testing. Allele origin: germline.
Comment: This sequence change creates a premature translational stop signal (p.Glu2288Glnfs*39) in the USH2A gene. It is expected to result in an absent or disrupted protein product. Loss-of-function variants in USH2A are known to be pathogenic (PMID: 10729113, 10909849, 20507924, 25649381). This variant is not present in population databases (gnomAD no frequency). This variant has not been reported in the literature in individuals affected with USH2A-related conditions. ClinVar contains an entry for this variant (Variation ID: 2128363). For these reasons, this variant has been classified as Pathogenic.

Literature cited by the submitters: PubMed 10729113 (cited by Labcorp Genetics (formerly Invitae), Labcorp); PubMed 10909849 (cited by Labcorp Genetics (formerly Invitae), Labcorp); PubMed 20507924 (cited by Labcorp Genetics (formerly Invitae), Labcorp); PubMed 25649381 (cited by Labcorp Genetics (formerly Invitae), Labcorp).